The following is an entry in ClinVar:

NM_152564.5(VPS13B):c.3244A>G (p.Asn1082Asp)

Gene: VPS13B (vacuolar protein sorting 13 homolog B; plus strand). Cytogenetic location: 8q22.2.
Variant type: single nucleotide variant.
Coding change: c.3244A>G on transcript NM_152564.5 (MANE Select); coding-DNA position 3244, A replaced by G.
Protein change: p.Asn1082Asp; replaces asparagine 1082 with aspartic acid.
Molecular consequence: missense variant.
Genome position (GRCh38, 1-based): chr8:99,442,434, A>G. VCF-style: chr8-99442434-A-G. GRCh37 (hg19) VCF-style: chr8-100454662-A-G.
Other names: c.3244A>G, p.Asn1082Asp (NM_017890.5); short protein forms N1082D.
Identifiers: ClinVar variation 2141355 (VCV002141355.3), dbSNP rs765577339, ClinGen allele CA4823209.

ClinVar aggregate classification (germline): Uncertain significance. Review status: criteria provided, multiple submitters, no conflicts (2 of 4 stars). 2 submissions from 2 submitters: Uncertain significance (2). Last evaluated 2025-06-10.

Conditions:
VPS13B-related disorder. Also called: VPS13B-related condition.
Cohen syndrome (COH1). Also called: PEPPER SYNDROME; Cutis verticis gyrata, retinitis pigmentosa, and sensorineural deafness. Identifiers: Orphanet 193, MedGen C0265223, MONDO:0008999, OMIM 216550.

Allele frequency attached by ClinVar (database versions not stated): ExAC 0.00001; TOPMed 0.00001.
gnomAD v4.1: 7 of 1,613,768 alleles (0.00043%); highest among the groups gnomAD compares: Non-Finnish European, 0.00051%; no homozygotes.

Submissions (2):

PreventionGenetics, part of Exact Sciences
Classification: Uncertain significance for VPS13B-related condition. Last evaluated: 2025-06-10. Review status: criteria provided, single submitter. Criteria: ACMG Guidelines, 2015. Collection method: clinical testing. Allele origin: germline.
Comment: The VPS13B c.3244A>G variant is predicted to result in the amino acid substitution p.Asn1082Asp. To our knowledge, this variant has not been reported in the literature. This variant is reported in 0.0018% of alleles in individuals of European (Non-Finnish) descent in gnomAD. At this time, the clinical significance of this variant is uncertain due to the absence of conclusive functional and genetic evidence.

Labcorp Genetics (formerly Invitae), Labcorp
Classification: Uncertain significance for Cohen syndrome. Last evaluated: 2023-07-03. Review status: criteria provided, single submitter. Criteria: Invitae Variant Classification Sherloc (09022015). Collection method: clinical testing. Allele origin: germline.
Comment: Advanced modeling of protein sequence and biophysical properties (such as structural, functional, and spatial information, amino acid conservation, physicochemical variation, residue mobility, and thermodynamic stability) performed at Invitae indicates that this missense variant is not expected to disrupt VPS13B protein function. In summary, the available evidence is currently insufficient to determine the role of this variant in disease. Therefore, it has been classified as a Variant of Uncertain Significance. Algorithms developed to predict the effect of sequence changes on RNA splicing suggest that this variant may disrupt the consensus splice site. ClinVar contains an entry for this variant (Variation ID: 2141355). This variant has not been reported in the literature in individuals affected with VPS13B-related conditions. This variant is present in population databases (rs765577339, gnomAD 0.0009%). This sequence change replaces asparagine, which is neutral and polar, with aspartic acid, which is acidic and polar, at codon 1082 of the VPS13B protein (p.Asn1082Asp).